The following is an entry in ClinVar:

NM_001042545.2(LTBP4):c.4336G>A (p.Glu1446Lys)

Gene: LTBP4 (latent transforming growth factor beta binding protein 4; plus strand). Cytogenetic location: 19q13.2.
Variant type: single nucleotide variant.
Coding change: c.4336G>A on transcript NM_001042545.2 (MANE Select); coding-DNA position 4336, G replaced by A.
Protein change: p.Glu1446Lys; replaces glutamic acid 1446 with lysine.
Molecular consequence: missense variant.
Genome position (GRCh38, 1-based): chr19:40,627,325, G>A. VCF-style: chr19-40627325-G-A. GRCh37 (hg19) VCF-style: chr19-41133230-G-A.
Other names: c.4537G>A, p.Glu1513Lys (NM_001042544.1); c.4426G>A, p.Glu1476Lys (NM_003573.2); short protein forms E1446K, E1476K, E1513K.
Identifiers: ClinVar variation 4822267 (VCV004822267.4).
Genomic context (GRCh38, chr19:40,627,325, plus strand): 5'-GGCCCGGGCACCCGCTGGCCCTATCGGTCCCGGGACACCCGCCGCTCCTTCCCAGAGCCC[G>A]AGGAGCCTCCTGAAGGTGGAAGCTATGCTGGTGAGCACTGCCAGCGCATGATGAGACTGA-3'
Protein context (NP_001036010.1, residues 1436-1456): RDTRRSFPEP[Glu1446Lys]EPPEGGSYAG

ClinVar aggregate classification (germline): Uncertain significance (1 of 4 stars; one submission).

gnomAD v4.1: 5 of 1,521,512 alleles (0.00033%); highest among the groups gnomAD compares: South Asian, 0.0025%; no homozygotes.

Submission:

CeGaT Center for Human Genetics Tuebingen
Classification: Uncertain significance. Last evaluated: 2026-03-01. Review status: criteria provided, single submitter. Criteria: CeGaT Center For Human Genetics Tuebingen Variant Classification Criteria Version 2. Collection method: clinical testing. Allele origin: germline. Affected: yes. Observed: 1 variant allele.
Comment: LTBP4: PM2, BP1